The following is an entry in ClinVar:

ClinVar aggregate classification (germline): Uncertain significance (1 of 4 stars; one submission).

Conditions:
Leber congenital amaurosis 4 (LCA4). Identifiers: MedGen C1858386, MONDO:0011458, OMIM 604393.

Submission:

Labcorp Genetics (formerly Invitae), Labcorp
Classification: Uncertain significance for Leber congenital amaurosis 4. Last evaluated: 2024-08-07. Review status: criteria provided, single submitter. Criteria: Invitae Variant Classification Sherloc (09022015). Collection method: clinical testing. Allele origin: germline.
Comment: This variant, c.676_678del, results in the deletion of 1 amino acid(s) of the AIPL1 protein (p.Glu226del), but otherwise preserves the integrity of the reading frame. This variant is not present in population databases (gnomAD no frequency). This variant has not been reported in the literature in individuals affected with AIPL1-related conditions. In summary, the available evidence is currently insufficient to determine the role of this variant in disease. Therefore, it has been classified as a Variant of Uncertain Significance.

NM_014336.5(AIPL1):c.676_678del (p.Glu226del)

Gene: AIPL1 (AIP like 1 HSP90 co-chaperone; minus strand). Cytogenetic location: 17p13.2.
Variant type: Deletion.
Coding change: c.676_678del on transcript NM_014336.5 (MANE Select); coding-DNA positions 676 to 678, 3 bases deleted (GAG; older notation c.676_678delGAG).
Protein change: p.Glu226del; deletes glutamic acid 226.
Molecular consequence: intron variant (on NM_001285401.3).
Genome position (GRCh38, 1-based): chr17:6,426,721-6,426,723, CTC deleted on the plus strand (GAG on the coding strand, the reverse complement: AIPL1 is on the minus strand); deleting any 3 consecutive bases within chr17:6,426,721-6,426,724 gives the same sequence; the c. name uses the placement nearest the transcript's 3' end. VCF-style (leftmost placement, unchanged base first): chr17-6426720-TCTC-T. GRCh37 (hg19) VCF-style: chr17-6330040-TCTC-T.
Other names: c.487_489del, p.Glu163del (NM_001033054.3); c.496_498del, p.Glu166del (NM_001033055.3); c.640_642del, p.Glu214del (NM_001285399.3); c.610_612del, p.Glu204del (NM_001285400.3); c.559_561del, p.Glu187del (NM_001285402.2); c.652_654del, p.Glu218del (NM_001285403.4); c.643-39_643-37del (NM_001285401.3); short protein forms E214del, E226del, E218del, E163del, E204del, E166del, E187del.
Identifiers: ClinVar variation 3661686 (VCV003661686.2).